The following is an entry in ClinVar:

ClinVar aggregate classification (germline): Pathogenic (1 of 4 stars; one submission).

Conditions:
Hereditary cancer-predisposing syndrome. Also called: Tumor predisposition; Neoplastic Syndromes, Hereditary; Hereditary neoplastic syndrome; Hereditary Cancer Syndrome. Identifiers: Orphanet 140162, MedGen C0027672, MeSH D009386, MONDO:0015356.

Submission:

Ambry Genetics
Classification: Pathogenic for Hereditary cancer-predisposing syndrome. Last evaluated: 2024-09-19. Review status: criteria provided, single submitter. Criteria: Ambry Variant Classification Scheme 2023. Collection method: clinical testing. Allele origin: germline.
Comment: The c.305_306dupTG pathogenic mutation, located in coding exon 2 of the STK11 gene, results from a duplication of TG at nucleotide position 305, causing a translational frameshift with a predicted alternate stop codon (p.R103*). This variant has been observed in at least one individual with a personal and/or family history that is consistent with Peutz-Jeghers syndrome (Ambry internal data). This variant is considered to be rare based on population cohorts in the Genome Aggregation Database (gnomAD). This alteration is expected to result in loss of function by premature protein truncation or nonsense-mediated mRNA decay. As such, this alteration is interpreted as a disease-causing mutation.

NM_000455.5(STK11):c.305_306dup (p.Arg103Ter)

Gene: STK11 (serine/threonine kinase 11; plus strand). Cytogenetic location: 19p13.3.
Variant type: Duplication.
Coding change: c.305_306dup on transcript NM_000455.5 (MANE Select); coding-DNA positions 305 to 306, 2 bases duplicated (TG; older notation c.305_306dupTG).
Protein change: p.Arg103Ter; replaces arginine 103 with a stop codon.
Molecular consequence: nonsense. On other transcripts: frameshift variant (1), non-coding transcript variant (1).
Genome position (GRCh38, 1-based): chr19:1,218,431-1,218,432, TG duplicated. VCF-style (leftmost placement, unchanged base first): chr19-1218430-C-CTG. GRCh37 (hg19) VCF-style: chr19-1218429-C-CTG.
Other names: c.305_306dupTG (NM_000455.4); c.305_306dup, p.Arg103Ter (NM_001407255.1); short protein forms R103*.
Identifiers: ClinVar variation 3450577 (VCV003450577.1).